The following is an entry in ClinVar:

NM_030957.4(ADAMTS10):c.219G>T (p.Glu73Asp)

Gene: ADAMTS10 (ADAM metallopeptidase with thrombospondin type 1 motif 10; minus strand). Cytogenetic location: 19p13.2.
Variant type: single nucleotide variant.
Coding change: c.219G>T on transcript NM_030957.4 (MANE Select); coding-DNA position 219, G replaced by T.
Protein change: p.Glu73Asp; replaces glutamic acid 73 with aspartic acid.
Molecular consequence: missense variant.
Genome position (GRCh38, 1-based): chr19:8,605,228, C>A on the plus strand (G>T on the coding strand, the complement: ADAMTS10 is on the minus strand). VCF-style: chr19-8605228-C-A. GRCh37 (hg19) VCF-style: chr19-8670113-C-A.
Other names: p.Glu73Asp; short protein forms E73D.
Identifiers: ClinVar variation 2598451 (VCV002598451.4), dbSNP rs1280703623, ClinGen allele CA403757709.

ClinVar aggregate classification (germline): Uncertain significance. Review status: criteria provided, multiple submitters, no conflicts (2 of 4 stars). 3 submissions from 3 submitters: Uncertain significance (3). Last evaluated 2025-09-26.

Conditions:
Inborn genetic diseases. Identifiers: MedGen C0950123, MeSH D030342.

Allele frequency attached by ClinVar (database versions not stated): gnomAD exomes 0.00001; gnomAD 0.00002; TOPMed 0.00003.

Submissions (3):

Mayo Clinic Laboratories, Mayo Clinic
Classification: Uncertain significance. Last evaluated: 2025-09-26. Review status: criteria provided, single submitter. Criteria: ACMG Guidelines, 2015. Collection method: clinical testing. Allele origin: germline. Observed: 1 variant allele.
Comment: BP4_moderate

Labcorp Genetics (formerly Invitae), Labcorp
Classification: Uncertain significance. Last evaluated: 2025-08-11. Review status: criteria provided, single submitter. Criteria: Invitae Variant Classification Sherloc (09022015). Collection method: clinical testing. Allele origin: germline.
Comment: This sequence change replaces glutamic acid, which is acidic and polar, with aspartic acid, which is acidic and polar, at codon 73 of the ADAMTS10 protein (p.Glu73Asp). This variant is present in population databases (no rsID available, gnomAD 0.002%). This variant has not been reported in the literature in individuals affected with ADAMTS10-related conditions. ClinVar contains an entry for this variant (Variation ID: 2598451). An algorithm developed to predict the effect of missense changes on protein structure and function (PolyPhen-2) suggests that this variant is likely to be disruptive. In summary, the available evidence is currently insufficient to determine the role of this variant in disease. Therefore, it has been classified as a Variant of Uncertain Significance.

Ambry Genetics
Classification: Uncertain significance for Inborn genetic diseases. Last evaluated: 2023-06-22. Review status: criteria provided, single submitter. Criteria: Ambry Variant Classification Scheme 2023. Collection method: clinical testing. Allele origin: germline.